The following is an entry in ClinVar:

NM_176824.3(BBS7):c.1558G>A (p.Val520Ile)

Gene: BBS7 (Bardet-Biedl syndrome 7; minus strand). Cytogenetic location: 4q27.
Variant type: single nucleotide variant.
Coding change: c.1558G>A on transcript NM_176824.3 (MANE Select); coding-DNA position 1558, G replaced by A.
Protein change: p.Val520Ile; replaces valine 520 with isoleucine.
Molecular consequence: missense variant.
Genome position (GRCh38, 1-based): chr4:121,833,349, C>T on the plus strand (G>A on the coding strand, the complement: BBS7 is on the minus strand). VCF-style: chr4-121833349-C-T. GRCh37 (hg19) VCF-style: chr4-122754504-C-T.
Other names: c.1558G>A, p.Val520Ile (NM_018190.4); short protein forms V520I.
Identifiers: ClinVar variation 1411646 (VCV001411646.8), dbSNP rs1211533033, ClinGen allele CA358057911.
Genomic context (GRCh38, chr4:121,833,349, plus strand): 5'-ATTCTCCTGCTGGAGGTTTTTCTGGAACTTCAGGCAGACAAAAAACCACCCAGGAGTGAA[C>T]TTCAGCAAAACTGAACTGGCCTGTTAGGGTCAGTGTATTCATGGGTCTGTAATATAATAG-3'
Protein context (NP_789794.1, residues 510-530): TLTGQFSFAE[Val520Ile]HSWVVFCLPE

ClinVar aggregate classification (germline): Uncertain significance (1 of 4 stars; one submission).

Conditions:
Bardet-Biedl syndrome (BBS). Identifiers: Orphanet 110, MedGen C0752166, MONDO:0015229.

Allele frequency attached by ClinVar (database versions not stated): gnomAD exomes below 0.00001 and 0.00001.
gnomAD v4.1: 3 of 1,614,022 alleles (0.00019%); highest among the groups gnomAD compares: East Asian, 0.0022%; no homozygotes.

Submission:

Labcorp Genetics (formerly Invitae), Labcorp
Classification: Uncertain significance for Bardet-Biedl syndrome. Last evaluated: 2024-09-09. Review status: criteria provided, single submitter. Criteria: Invitae Variant Classification Sherloc (09022015). Collection method: clinical testing. Allele origin: germline.
Comment: This sequence change replaces valine, which is neutral and non-polar, with isoleucine, which is neutral and non-polar, at codon 520 of the BBS7 protein (p.Val520Ile). This variant is present in population databases (no rsID available, gnomAD 0.003%). This variant has not been reported in the literature in individuals affected with BBS7-related conditions. ClinVar contains an entry for this variant (Variation ID: 1411646). Invitae Evidence Modeling of protein sequence and biophysical properties (such as structural, functional, and spatial information, amino acid conservation, physicochemical variation, residue mobility, and thermodynamic stability) indicates that this missense variant is not expected to disrupt BBS7 protein function with a negative predictive value of 80%. In summary, the available evidence is currently insufficient to determine the role of this variant in disease. Therefore, it has been classified as a Variant of Uncertain Significance.